The following is an entry in ClinVar:

ClinVar aggregate classification (germline): Uncertain significance (1 of 4 stars; one submission).

Conditions:
Hereditary cancer-predisposing syndrome. Also called: Neoplastic Syndromes, Hereditary; Tumor predisposition; Hereditary neoplastic syndrome; Hereditary Cancer Syndrome. Identifiers: Orphanet 140162, MedGen C0027672, MeSH D009386, MONDO:0015356.

Submission:

Ambry Genetics
Classification: Uncertain significance for Hereditary cancer-predisposing syndrome. Last evaluated: 2023-12-24. Review status: criteria provided, single submitter. Criteria: Ambry Variant Classification Scheme 2023. Collection method: clinical testing. Allele origin: germline.
Comment: The p.D1424H variant (also known as c.4270G>C), located in coding exon 23 of the PTCH1 gene, results from a G to C substitution at nucleotide position 4270. The aspartic acid at codon 1424 is replaced by histidine, an amino acid with similar properties. This amino acid position is conserved. In addition, this alteration is predicted to be tolerated by in silico analysis. Since supporting evidence is limited at this time, the clinical significance of this alteration remains unclear.

NM_000264.5(PTCH1):c.4270G>C (p.Asp1424His)

Gene: PTCH1 (patched 1; minus strand). Cytogenetic location: 9q22.32.
Variant type: single nucleotide variant.
Coding change: c.4270G>C on transcript NM_000264.5 (MANE Select); coding-DNA position 4270, G replaced by C.
Protein change: p.Asp1424His; replaces aspartic acid 1424 with histidine.
Molecular consequence: missense variant. On other transcripts: non-coding transcript variant (1).
Genome position (GRCh38, 1-based): chr9:95,446,986, C>G on the plus strand (G>C on the coding strand, the complement: PTCH1 is on the minus strand). VCF-style: chr9-95446986-C-G. GRCh37 (hg19) VCF-style: chr9-98209268-C-G.
Other names: c.4072G>C, p.Asp1358His (NM_001083602.3); c.4267G>C, p.Asp1423His (NM_001083603.3); c.3817G>C, p.Asp1273His (NM_001083604.3, NM_001083605.3, NM_001083606.3 and 1 more transcripts); c.4114G>C, p.Asp1372His (NM_001354918.2); short protein forms D1273H, D1358H, D1372H, D1423H, D1424H.
Identifiers: ClinVar variation 3231047 (VCV003231047.1), dbSNP rs1837962537, ClinGen allele CA374109988.
Genomic context (GRCh38, chr9:95,446,986, plus strand): 5'-TTCCCCGGGGCCTCTCCTCGCATTCCACGTCCTGCAGCTCAATGACTTCCACCTTCGAAT[C>G]CCTCCTCTCACACCGGACGTGGAAAGGCACGTGGGGGTCCTCAAACAGGCCGTGGTCAGT-3'
Protein context (NP_000255.2, residues 1414-1434): VPFHVRCERR[Asp1424His]SKVEVIELQD